The following is an entry in ClinVar:

ClinVar aggregate classification (germline): Uncertain significance (1 of 4 stars; one submission).

Conditions:
Cone-rod dystrophy 13 (CORD13). Identifiers: Orphanet 1872, MedGen C2750720, MONDO:0011987, OMIM 608194.
Leber congenital amaurosis 6 (LCA6). Identifiers: Orphanet 65, MedGen C1854260, MONDO:0013446, OMIM 613826.

Submission:

Labcorp Genetics (formerly Invitae), Labcorp
Classification: Uncertain significance for Leber congenital amaurosis 6; Cone-rod dystrophy 13. Last evaluated: 2022-04-11. Review status: criteria provided, single submitter. Criteria: Invitae Variant Classification Sherloc (09022015). Collection method: clinical testing. Allele origin: germline.
Comment: In summary, the available evidence is currently insufficient to determine the role of this variant in disease. Therefore, it has been classified as a Variant of Uncertain Significance. Algorithms developed to predict the effect of missense changes on protein structure and function are either unavailable or do not agree on the potential impact of this missense change (SIFT: "Deleterious"; PolyPhen-2: "Probably Damaging"; Align-GVGD: "Class C0"). This variant has not been reported in the literature in individuals affected with RPGRIP1-related conditions. This variant is not present in population databases (gnomAD no frequency). This sequence change replaces serine, which is neutral and polar, with threonine, which is neutral and polar, at codon 1124 of the RPGRIP1 protein (p.Ser1124Thr).

NM_020366.4(RPGRIP1):c.3370T>A (p.Ser1124Thr)

Gene: RPGRIP1 (RPGR interacting protein 1; plus strand). Cytogenetic location: 14q11.2.
Variant type: single nucleotide variant.
Coding change: c.3370T>A on transcript NM_020366.4 (MANE Select); coding-DNA position 3370, T replaced by A.
Protein change: p.Ser1124Thr; replaces serine 1124 with threonine.
Molecular consequence: missense variant.
Genome position (GRCh38, 1-based): chr14:21,343,066, T>A. VCF-style: chr14-21343066-T-A. GRCh37 (hg19) VCF-style: chr14-21811225-T-A.
Other names: c.1348T>A, p.Ser450Thr (NM_001377523.1, NM_001377950.1); c.2296T>A, p.Ser766Thr (NM_001377948.1); c.1456T>A, p.Ser486Thr (NM_001377949.1); c.853T>A, p.Ser285Thr (NM_001377951.1); short protein forms S450T, S1124T, S486T, S766T, S285T.
Identifiers: ClinVar variation 2124694 (VCV002124694.4), dbSNP rs2139337000, ClinGen allele CA388856825.
Genomic context (GRCh38, chr14:21,343,066, plus strand): 5'-TAGGAACTAAATAAACATTTTCCTTATCAGGATTCAGAGAAGATGTGCATTGAAATTGTC[T>A]CCCTGGCCTTCTACCCAGAGGCAGAAGTGATGTCTGATGAGAACATAAAACAGGTGTATG-3'
Protein context (NP_065099.3, residues 1114-1134): DSEKMCIEIV[Ser1124Thr]LAFYPEAEVM